The following is an entry in ClinVar:

NM_002529.4(NTRK1):c.428+12C>A

Gene: NTRK1 (neurotrophic receptor tyrosine kinase 1; plus strand). Cytogenetic location: 1q23.1.
Variant type: single nucleotide variant.
Coding change: c.428+12C>A on transcript NM_002529.4 (MANE Select); 12 bases into the intron after coding-DNA position 428, C replaced by A.
Molecular consequence: intron variant.
Genome position (GRCh38, 1-based): chr1:156,866,990, C>A. VCF-style: chr1-156866990-C-A. GRCh37 (hg19) VCF-style: chr1-156836782-C-A.
Other names: c.338+12C>A (NM_001007792.1); c.428+12C>A (NM_001012331.2).
Identifiers: ClinVar variation 292876 (VCV000292876.22), dbSNP rs41267425, ClinGen allele CA1168955.

ClinVar aggregate classification (germline): Benign/Likely benign. Review status: criteria provided, multiple submitters, no conflicts (2 of 4 stars). 7 submissions from 7 submitters: Benign (5); Likely benign (2). Last evaluated 2026-01-27.

Conditions:
Hereditary insensitivity to pain with anhidrosis (CIPA). Also called: FAMILIAL DYSAUTONOMIA, TYPE II; NTRK1 Congenital Insensitivity to Pain with Anhidrosis; NEUROPATHY, CONGENITAL SENSORY, WITH ANHIDROSIS; hereditary sensory and autonomic neuropathy type 4; INSENSITIVITY TO PAIN, CONGENITAL, WITH ANHIDROSIS; HSAN Type IV. Identifiers: Orphanet 642, MedGen C0020074, MONDO:0009746, OMIM 256800.

Allele frequency attached by ClinVar (database versions not stated): gnomAD 0.00357; 1000 Genomes Project 30x 0.00375; 1000 Genomes Project 0.00379; TOPMed 0.00430; ESP Exome Variant Server 0.00554.
gnomAD v4.1: 4,370 of 1,613,942 alleles (0.27%); highest among the groups gnomAD compares: African/African-American, 0.99%; 11 homozygotes.

Submissions (7):

Labcorp Genetics (formerly Invitae), Labcorp
Classification: Benign for Hereditary insensitivity to pain with anhidrosis. Last evaluated: 2026-01-27. Review status: criteria provided, single submitter. Criteria: Invitae Variant Classification Sherloc (09022015). Collection method: clinical testing. Allele origin: germline.

Blueprint Genetics
Classification: Likely benign. Last evaluated: 2024-11-05. Review status: criteria provided, single submitter. Criteria: ACMG Guidelines, 2015. Collection method: clinical testing. Allele origin: germline.

ARUP Laboratories, Molecular Genetics and Genomics, ARUP Laboratories
Classification: Benign for Hereditary insensitivity to pain with anhidrosis. Last evaluated: 2023-11-28. Review status: criteria provided, single submitter. Criteria: ARUP Molecular Germline Variant Investigation Process 2024. Collection method: clinical testing. Allele origin: germline.

Genome-Nilou Lab
Classification: Benign for Hereditary insensitivity to pain with anhidrosis. Last evaluated: 2023-04-11. Review status: criteria provided, single submitter. Criteria: ACMG Guidelines, 2015. Collection method: clinical testing. Allele origin: germline. Affected: no.

Illumina Laboratory Services, Illumina
Classification: Benign for Hereditary insensitivity to pain with anhidrosis. Last evaluated: 2018-01-13. Review status: criteria provided, single submitter. Criteria: ICSL Variant Classification Criteria 13 December 2019. Collection method: clinical testing. Allele origin: germline.
Comment: This variant was observed in the ICSL laboratory as part of a predisposition screen in an ostensibly healthy population. It had not been previously curated by ICSL or reported in the Human Gene Mutation Database (HGMD: prior to June 1st, 2018), and was therefore a candidate for classification through an automated scoring system. Utilizing variant allele frequency, disease prevalence and penetrance estimates, and inheritance mode, an automated score was calculated to assess if this variant is too frequent to cause the disease. Based on the score and internal cut-off values, a variant classified as benign is not then subjected to further curation. The score for this variant resulted in a classification of benign for this disease.

GeneDx
Classification: Benign. Last evaluated: 2015-07-16. Review status: criteria provided, single submitter. Criteria: GeneDx Variant Classification (06012015). Collection method: clinical testing. Allele origin: germline. Affected: yes.
Comment: This variant is considered likely benign or benign based on one or more of the following criteria: it is a conservative change, it occurs at a poorly conserved position in the protein, it is predicted to be benign by multiple in silico algorithms, and/or has population frequency not consistent with disease.

Breakthrough Genomics
Classification: Likely benign. Review status: criteria provided, single submitter. Criteria: ACMG Guidelines, 2015. Collection method: not provided. Allele origin: germline. Inheritance: Autosomal recessive inheritance. Affected: yes.